The following is an entry in ClinVar:

ClinVar aggregate classification (germline): Uncertain significance (1 of 4 stars; one submission).

Allele frequency attached by ClinVar (database versions not stated): ExAC 0.00001; TOPMed 0.00003; gnomAD 0.00001.
gnomAD v4.1: 37 of 1,605,604 alleles (0.0023%); highest among the groups gnomAD compares: Admixed American, 0.0034%; no homozygotes.

Submission:

Labcorp Genetics (formerly Invitae), Labcorp
Classification: Uncertain significance. Last evaluated: 2025-12-22. Review status: criteria provided, single submitter. Criteria: Invitae Variant Classification Sherloc (09022015). Collection method: clinical testing. Allele origin: germline.
Comment: This sequence change replaces arginine, which is basic and polar, with cysteine, which is neutral and slightly polar, at codon 472 of the MICAL1 protein (p.Arg472Cys). This variant is present in population databases (rs17854785, gnomAD 0.006%). This variant has not been reported in the literature in individuals affected with MICAL1-related conditions. ClinVar contains an entry for this variant (Variation ID: 3010197). An algorithm developed to predict the effect of missense changes on protein structure and function (PolyPhen-2) suggests that this variant is likely to be disruptive. In summary, the available evidence is currently insufficient to determine the role of this variant in disease. Therefore, it has been classified as a Variant of Uncertain Significance.

NM_022765.4(MICAL1):c.1357C>T (p.Arg453Cys)

Gene: MICAL1 (microtubule associated monooxygenase, calponin and LIM domain containing 1; minus strand). Cytogenetic location: 6q21.
Variant type: single nucleotide variant.
Coding change: c.1357C>T on transcript NM_022765.4 (MANE Select); coding-DNA position 1357, C replaced by T.
Protein change: p.Arg453Cys; replaces arginine 453 with cysteine.
Molecular consequence: missense variant.
Genome position (GRCh38, 1-based): chr6:109,449,734, G>A on the plus strand (C>T on the coding strand, the complement: MICAL1 is on the minus strand). VCF-style: chr6-109449734-G-A. GRCh37 (hg19) VCF-style: chr6-109770937-G-A.
Other names: c.1099C>T, p.Arg367Cys (NM_001159291.2); c.1414C>T, p.Arg472Cys (NM_001286613.2); short protein forms R367C, R453C, R472C.
Identifiers: ClinVar variation 3010197 (VCV003010197.3), dbSNP rs17854785, ClinGen allele CA3953425.